The following is an entry in ClinVar:

NM_000059.4(BRCA2):c.8952A>G (p.Ser2984=)

Gene: BRCA2 (BRCA2 DNA repair associated; plus strand). Cytogenetic location: 13q13.1.
Variant type: single nucleotide variant.
Coding change: c.8952A>G on transcript NM_000059.4 (MANE Select); coding-DNA position 8952, A replaced by G.
Protein change: p.Ser2984=; no amino-acid change (serine 2984 retained).
Molecular consequence: synonymous variant.
Genome position (GRCh38, 1-based): chr13:32,379,514, A>G. VCF-style: chr13-32379514-A-G. GRCh37 (hg19) VCF-style: chr13-32953651-A-G.
Identifiers: ClinVar variation 233886 (VCV000233886.25), dbSNP rs876660709, ClinGen allele CA10579804.

ClinVar aggregate classification (germline): Likely benign. Review status: reviewed by expert panel (3 of 4 stars). 8 submissions from 8 submitters: Likely benign (1). 7 of the submissions do not count toward it. Last evaluated 2017-06-29.

Conditions:
Inherited breast cancer and ovarian cancer.
Hereditary breast ovarian cancer syndrome. Also called: Hereditary breast and ovarian cancer; Breast and ovarian cancer; BRCA1- and BRCA2-Associated Hereditary Breast and Ovarian Cancer; Hereditary breast and ovarian cancer syndrome; Hereditary breast and ovarian cancer syndrome (HBOC); Hereditary breast and/or ovarian cancer syndrome. Identifiers: Orphanet 145, MedGen C0677776, MeSH D061325, MONDO:0003582. Disease mechanism: loss of function.
Hereditary cancer-predisposing syndrome. Also called: Tumor predisposition; Hereditary Cancer Syndrome; Hereditary neoplastic syndrome; Neoplastic Syndromes, Hereditary. Identifiers: Orphanet 140162, MedGen C0027672, MeSH D009386, MONDO:0015356.
Breast-ovarian cancer, familial, susceptibility to, 2 (BROVCA2). Also called: BRCA2 Hereditary Breast and Ovarian Cancer. Identifiers: Orphanet 145, MedGen C2675520, MONDO:0012933, OMIM 612555. Disease mechanism: loss of function.

Allele frequency attached by ClinVar (database versions not stated): gnomAD exomes 0.00001.
gnomAD v4.1: 9 of 1,612,378 alleles (0.00056%); highest among the groups gnomAD compares: Non-Finnish European, 0.00068%; no homozygotes.

Submissions (8):

Evidence-based Network for the Interpretation of Germline Mutant Alleles (ENIGMA)
Classification: Likely benign for Breast-ovarian cancer, familial, susceptibility to, 2. Last evaluated: 2017-06-29. Review status: reviewed by expert panel. Criteria: ENIGMA BRCA1/2 Classification Criteria (2017-06-29). Collection method: curation. Allele origin: germline.
Comment: Synonymous substitution variant, with low bioinformatic likelihood to result in a splicing aberration (Splicing prior probability 0.04).

Labcorp Genetics (formerly Invitae), Labcorp
Classification: Likely benign for Hereditary breast ovarian cancer syndrome. Last evaluated: 2025-02-12. Review status: criteria provided, single submitter. Criteria: Invitae Variant Classification Sherloc (09022015). Collection method: clinical testing. Allele origin: germline. Not counted in ClinVar's aggregate classification.

Genomics and Molecular Medicine Service, East Genomic Laboratory Hub, NHS Genomic Medicine Service
Classification: Uncertain significance for Inherited breast cancer and ovarian cancer. Last evaluated: 2024-07-01. Review status: criteria provided, single submitter. Criteria: ACGS Best Practice Guidelines for Variant Classification in Rare Disease 2020. Collection method: clinical testing. Allele origin: germline. Affected: yes. Not counted in ClinVar's aggregate classification.
Comment: BP4

Women's Health and Genetics/Laboratory Corporation of America, LabCorp
Classification: Uncertain significance. Last evaluated: 2023-09-08. Review status: criteria provided, single submitter. Criteria: LabCorp Variant Classification Summary - May 2015. Collection method: clinical testing. Allele origin: germline. Not counted in ClinVar's aggregate classification.

All of Us Research Program, National Institutes of Health
Classification: Likely benign for Breast-ovarian cancer, familial, susceptibility to, 2. Last evaluated: 2023-05-31. Review status: criteria provided, single submitter. Criteria: ACMG Guidelines, 2015. Collection method: clinical testing. Allele origin: germline. Inheritance: Autosomal dominant inheritance. Observed: 1 variant allele, 1 heterozygote. Not counted in ClinVar's aggregate classification.
Comment: This study involves interpretation of variants in research participants for the purpose of population health screening. Participant phenotype was not available at the time of variant classification. Additional details can be found in publication PMID: 35346344, PMCID: PMC8962531

GeneDx
Classification: Likely benign. Last evaluated: 2018-08-10. Review status: criteria provided, single submitter. Criteria: GeneDx Variant Classification Process June 2021. Collection method: clinical testing. Allele origin: germline. Affected: yes. Not counted in ClinVar's aggregate classification.

Color Diagnostics, LLC DBA Color Health
Classification: Likely benign for Hereditary cancer-predisposing syndrome. Last evaluated: 2017-05-16. Review status: criteria provided, single submitter. Criteria: ACMG Guidelines, 2015. Collection method: clinical testing. Allele origin: germline. Not counted in ClinVar's aggregate classification.

Ambry Genetics
Classification: Likely benign for Hereditary cancer-predisposing syndrome. Last evaluated: 2015-09-13. Review status: criteria provided, single submitter. Criteria: Ambry Variant Classification Scheme 2023. Collection method: clinical testing. Allele origin: germline. Not counted in ClinVar's aggregate classification.